The following is an entry in ClinVar:

ClinVar aggregate classification (germline): Uncertain significance (1 of 4 stars; one submission).

Submission:

Labcorp Genetics (formerly Invitae), Labcorp
Classification: Uncertain significance. Last evaluated: 2024-11-22. Review status: criteria provided, single submitter. Criteria: Invitae Variant Classification Sherloc (09022015). Collection method: clinical testing. Allele origin: germline.
Comment: This sequence change replaces proline, which is neutral and non-polar, with arginine, which is basic and polar, at codon 35 of the COL9A2 protein (p.Pro35Arg). This variant is not present in population databases (gnomAD no frequency). This variant has not been reported in the literature in individuals affected with COL9A2-related conditions. ClinVar contains an entry for this variant (Variation ID: 2862548). Invitae Evidence Modeling of protein sequence and biophysical properties (such as structural, functional, and spatial information, amino acid conservation, physicochemical variation, residue mobility, and thermodynamic stability) indicates that this missense variant is not expected to disrupt COL9A2 protein function with a negative predictive value of 95%. In summary, the available evidence is currently insufficient to determine the role of this variant in disease. Therefore, it has been classified as a Variant of Uncertain Significance.

NM_001852.4(COL9A2):c.104C>G (p.Pro35Arg)

Genes: COL9A2 (collagen type IX alpha 2 chain; minus strand), LOC129930261 (ATAC-STARR-seq lymphoblastoid silent region 724; plus strand). Cytogenetic location: 1p34.2.
Variant type: single nucleotide variant.
Coding change: c.104C>G on transcript NM_001852.4 (MANE Select); coding-DNA position 104, C replaced by G.
Protein change: p.Pro35Arg; replaces proline 35 with arginine.
Molecular consequence: missense variant.
Genome position (GRCh38, 1-based): chr1:40,315,636, G>C on the plus strand (C>G on the coding strand, the complement: COL9A2 is on the minus strand). VCF-style: chr1-40315636-G-C. GRCh37 (hg19) VCF-style: chr1-40781308-G-C.
Other names: short protein forms P35R.
Identifiers: ClinVar variation 2862548 (VCV002862548.3), dbSNP rs1644207568, ClinGen allele CA339859833.